The following is an entry in ClinVar:

ClinVar aggregate classification (germline): Likely benign (1 of 4 stars; one submission).

Allele frequency attached by ClinVar (database versions not stated): ESP Exome Variant Server 0.00028; gnomAD 0.00034; TOPMed 0.00035; 1000 Genomes Project 30x 0.00042; 1000 Genomes Project 0.00053.

Submission:

CeGaT Center for Human Genetics Tuebingen
Classification: Likely benign. Last evaluated: 2022-12-01. Review status: criteria provided, single submitter. Criteria: CeGaT Center For Human Genetics Tuebingen Variant Classification Criteria Version 2. Collection method: clinical testing. Allele origin: germline. Affected: yes. Observed: 1 variant allele.
Comment: UBE2NL: BP4, BP7, BS2

NM_001012989.3(UBE2NL):c.420A>G (p.Thr140=)

Gene: UBE2NL (ubiquitin conjugating enzyme E2 N like (gene/pseudogene); plus strand). Cytogenetic location: Xq27.3.
Variant type: single nucleotide variant.
Coding change: c.420A>G on transcript NM_001012989.3 (MANE Select); coding-DNA position 420, A replaced by G.
Protein change: p.Thr140=; no amino-acid change (threonine 140 retained).
Molecular consequence: synonymous variant. On other transcripts: non-coding transcript variant (1).
Genome position (GRCh38, 1-based): chrX:143,884,520, A>G. VCF-style: chrX-143884520-A-G. GRCh37 (hg19) VCF-style: chrX-142967622-A-G.
Identifiers: ClinVar variation 2661582 (VCV002661582.24), dbSNP rs144961293, ClinGen allele CA10534947.